The following is an entry in ClinVar:

ClinVar aggregate classification (germline): Uncertain significance. Review status: criteria provided, single submitter (1 of 4 stars). 2 submissions from 2 submitters: Uncertain significance (1). 1 of the submissions does not count toward it. Last evaluated 2025-06-03.

Conditions:
Inborn genetic diseases. Identifiers: MedGen C0950123, MeSH D030342.
PIEZO2-related disorder. Also called: PIEZO2-related condition; PIEZO2-related disorders.

gnomAD v4.1: 95 of 1,613,898 alleles (0.0059%); highest among the groups gnomAD compares: Non-Finnish European, 0.007%; no homozygotes.

Submissions (2):

Ambry Genetics
Classification: Uncertain significance for Inborn genetic diseases. Last evaluated: 2025-06-03. Review status: criteria provided, single submitter. Criteria: Ambry Variant Classification Scheme 2023. Collection method: clinical testing. Allele origin: germline.

PreventionGenetics, part of Exact Sciences
Classification: Uncertain significance for PIEZO2-related condition. Last evaluated: 2024-05-08. Review status: no assertion criteria provided. Collection method: clinical testing. Allele origin: germline. Not counted in ClinVar's aggregate classification.
Comment: The PIEZO2 c.7928C>T variant is predicted to result in the amino acid substitution p.Pro2643Leu. To our knowledge, this variant has not been reported in the literature. This variant is reported in 0.0046% of alleles in individuals of European (Non-Finnish) descent in gnomAD. At this time, the clinical significance of this variant is uncertain due to the absence of conclusive functional and genetic evidence.

NM_001378183.1(PIEZO2):c.8267C>T (p.Pro2756Leu)

Gene: PIEZO2 (piezo type mechanosensitive ion channel component 2; minus strand). Cytogenetic location: 18p11.22.
Variant type: single nucleotide variant.
Coding change: c.8267C>T on transcript NM_001378183.1 (MANE Select); coding-DNA position 8267, C replaced by T.
Protein change: p.Pro2756Leu; replaces proline 2756 with leucine.
Molecular consequence: missense variant.
Genome position (GRCh38, 1-based): chr18:10,672,768, G>A on the plus strand (C>T on the coding strand, the complement: PIEZO2 is on the minus strand). VCF-style: chr18-10672768-G-A. GRCh37 (hg19) VCF-style: chr18-10672765-G-A.
Other names: c.8003C>T, p.Pro2668Leu (NM_001410871.1); c.7928C>T, p.Pro2643Leu (NM_022068.4); c.7928C>T (NM_022068.2); short protein forms P2643L, P2668L, P2756L.
Identifiers: ClinVar variation 3352937 (VCV003352937.2).